The following is an entry in ClinVar:

ClinVar aggregate classification (germline): Uncertain significance. Review status: criteria provided, multiple submitters, no conflicts (2 of 4 stars). 2 submissions from 2 submitters: Uncertain significance (2). Last evaluated 2025-11-16.

Conditions:
Colorectal cancer, hereditary nonpolyposis, type 7. Identifiers: Orphanet 144, MedGen C1858380, MONDO:0013725, OMIM 614385.

Allele frequency attached by ClinVar (database versions not stated): gnomAD 0.00001; gnomAD exomes 0.00001 and 0.00006; ExAC 0.00002.

Submissions (2):

Labcorp Genetics (formerly Invitae), Labcorp
Classification: Uncertain significance for Colorectal cancer, hereditary nonpolyposis, type 7. Last evaluated: 2025-11-16. Review status: criteria provided, single submitter. Criteria: Invitae Variant Classification Sherloc (09022015). Collection method: clinical testing. Allele origin: germline.
Comment: This sequence change replaces cysteine, which is neutral and slightly polar, with tyrosine, which is neutral and polar, at codon 40 of the MLH3 protein (p.Cys40Tyr). This variant is present in population databases (rs746448677, gnomAD 0.08%), and has an allele count higher than expected for a pathogenic variant. This missense change has been observed in individual(s) with diffuse large B cell lymphoma (PMID: 23960188). ClinVar contains an entry for this variant (Variation ID: 410903). An algorithm developed to predict the effect of missense changes on protein structure and function (PolyPhen-2) suggests that this variant is likely to be disruptive. In summary, the available evidence is currently insufficient to determine the role of this variant in disease. Therefore, it has been classified as a Variant of Uncertain Significance.

Ambry Genetics
Classification: Uncertain significance. Last evaluated: 2025-01-06. Review status: criteria provided, single submitter. Criteria: Ambry Variant Classification Scheme 2023. Collection method: clinical testing. Allele origin: germline.
Comment: The p.C40Y variant (also known as c.119G>A), located in coding exon 1 of the MLH3 gene, results from a G to A substitution at nucleotide position 119. The cysteine at codon 40 is replaced by tyrosine, an amino acid with highly dissimilar properties. This amino acid position is highly conserved in available vertebrate species. In addition, this alteration is predicted to be deleterious by in silico analysis. The evidence for this gene-disease relationship is limited; therefore, the clinical significance of this alteration is unclear.

Literature cited by the submitters: PubMed 23960188 (cited by Labcorp Genetics (formerly Invitae), Labcorp).

NM_001040108.2(MLH3):c.119G>A (p.Cys40Tyr)

Gene: MLH3 (mutL homolog 3; minus strand). Cytogenetic location: 14q24.3.
Variant type: single nucleotide variant.
Coding change: c.119G>A on transcript NM_001040108.2 (MANE Select); coding-DNA position 119, G replaced by A.
Protein change: p.Cys40Tyr; replaces cysteine 40 with tyrosine.
Molecular consequence: missense variant.
Genome position (GRCh38, 1-based): chr14:75,049,537, C>T on the plus strand (G>A on the coding strand, the complement: MLH3 is on the minus strand). VCF-style: chr14-75049537-C-T. GRCh37 (hg19) VCF-style: chr14-75516240-C-T.
Other names: c.119G>A, p.Cys40Tyr (NM_014381.3); short protein forms C40Y.
Identifiers: ClinVar variation 410903 (VCV000410903.11), dbSNP rs746448677, ClinGen allele CA7276095.